The following is an entry in ClinVar:

NM_003331.5(TYK2):c.2569C>T (p.Pro857Ser)

Gene: TYK2 (tyrosine kinase 2; minus strand). Cytogenetic location: 19p13.2.
Variant type: single nucleotide variant.
Coding change: c.2569C>T on transcript NM_003331.5 (MANE Select); coding-DNA position 2569, C replaced by T.
Protein change: p.Pro857Ser; replaces proline 857 with serine.
Molecular consequence: missense variant.
Genome position (GRCh38, 1-based): chr19:10,356,616, G>A on the plus strand (C>T on the coding strand, the complement: TYK2 is on the minus strand). VCF-style: chr19-10356616-G-A. GRCh37 (hg19) VCF-style: chr19-10467292-G-A.
Other names: c.2569C>T, p.Pro857Ser (NM_001385197.1, NM_001385198.1, NM_001385203.1 and 1 more transcripts); c.2383C>T, p.Pro795Ser (NM_001385199.1); c.2566C>T, p.Pro856Ser (NM_001385200.1); c.2371C>T, p.Pro791Ser (NM_001385201.1); c.2485C>T, p.Pro829Ser (NM_001385202.1); c.2779C>T, p.Pro927Ser (NM_001385204.1); c.2479C>T, p.Pro827Ser (NM_001385205.1); c.2443C>T, p.Pro815Ser (NM_001385206.1); and 1 more; short protein forms P791S, P795S, P815S, P827S, P829S, P851S, P856S, P857S.
Identifiers: ClinVar variation 2418506 (VCV002418506.3), dbSNP rs1356003138, ClinGen allele CA403992207.

ClinVar aggregate classification (germline): Uncertain significance (1 of 4 stars; one submission).

Conditions:
Immunodeficiency 35 (IMD35). Also called: HIES WITH ATYPICAL MYCOBACTERIOSIS, AUTOSOMAL RECESSIVE; HYPER-IgE SYNDROME WITH ATYPICAL MYCOBACTERIOSIS, AUTOSOMAL RECESSIVE; Susceptibility to infection due to TYK2 deficiency; TYK2 DEFICIENCY. Identifiers: Orphanet 331226, MedGen C1969086, MONDO:0012682, OMIM 611521.

Allele frequency attached by ClinVar (database versions not stated): gnomAD exomes below 0.00001.
gnomAD v4.1: 2 of 1,613,836 alleles (0.00012%); highest among the groups gnomAD compares: Admixed American, 0.0033%; no homozygotes.

Submission:

Labcorp Genetics (formerly Invitae), Labcorp
Classification: Uncertain significance for Immunodeficiency 35. Last evaluated: 2022-08-21. Review status: criteria provided, single submitter. Criteria: Invitae Variant Classification Sherloc (09022015). Collection method: clinical testing. Allele origin: germline.
Comment: This sequence change replaces proline, which is neutral and non-polar, with serine, which is neutral and polar, at codon 857 of the TYK2 protein (p.Pro857Ser). This variant is present in population databases (no rsID available, gnomAD 0.003%). This variant has not been reported in the literature in individuals affected with TYK2-related conditions. Algorithms developed to predict the effect of missense changes on protein structure and function are either unavailable or do not agree on the potential impact of this missense change (SIFT: "Not Available"; PolyPhen-2: "Probably Damaging"; Align-GVGD: "Not Available"). In summary, the available evidence is currently insufficient to determine the role of this variant in disease. Therefore, it has been classified as a Variant of Uncertain Significance.